The following is an entry in ClinVar:

NM_001048174.2(MUTYH):c.17C>T (p.Ala6Val)

Gene: MUTYH (mutY DNA glycosylase; minus strand). Cytogenetic location: 1p34.1.
Variant type: single nucleotide variant.
Coding change: c.17C>T on transcript NM_001048174.2 (MANE Select); coding-DNA position 17, C replaced by T.
Protein change: p.Ala6Val; replaces alanine 6 with valine.
Molecular consequence: missense variant. On other transcripts: 5 prime UTR variant (7), non-coding transcript variant (7).
Genome position (GRCh38, 1-based): chr1:45,334,489, G>A on the plus strand (C>T on the coding strand, the complement: MUTYH is on the minus strand). VCF-style: chr1-45334489-G-A. GRCh37 (hg19) VCF-style: chr1-45800161-G-A.
Other names: c.17C>T, p.Ala6Val (NM_001048171.2, NM_001048172.2, NM_001048173.2 and 15 more transcripts); c.59C>T, p.Ala20Val (NM_001128425.2, NM_001293190.2, NM_001407069.1 and 2 more transcripts); c.-196C>T (NM_001293192.2, NM_001293196.2, NM_001407091.1); c.-255C>T (NM_001350650.2); c.-191C>T (NM_001350651.2, NM_001407082.1); c.-140C>T (NM_001407075.1); c.35C>T, p.Ala12Val (NM_001407087.1); short protein forms A20V, A6V, A12V.
Identifiers: ClinVar variation 4113751 (VCV004113751.1).

ClinVar aggregate classification (germline): Uncertain significance (1 of 4 stars; one submission).

Conditions:
Hereditary cancer-predisposing syndrome. Also called: Hereditary neoplastic syndrome; Neoplastic Syndromes, Hereditary; Tumor predisposition; Hereditary Cancer Syndrome. Identifiers: Orphanet 140162, MedGen C0027672, MeSH D009386, MONDO:0015356.

Submission:

Ambry Genetics
Classification: Uncertain significance for Hereditary cancer-predisposing syndrome. Last evaluated: 2025-08-27. Review status: criteria provided, single submitter. Criteria: Ambry Variant Classification Scheme 2023. Collection method: clinical testing. Allele origin: germline.
Comment: The p.A20V variant (also known as c.59C>T), located in coding exon 2 of the MUTYH gene, results from a C to T substitution at nucleotide position 59. The alanine at codon 20 is replaced by valine, an amino acid with similar properties. This amino acid position is conserved. In addition, this alteration is predicted to be tolerated by in silico analysis. Based on the available evidence, the clinical significance of this variant remains unclear.